The following is an entry in ClinVar:

ClinVar aggregate classification (germline): Uncertain significance. Review status: criteria provided, multiple submitters, no conflicts (2 of 4 stars). 3 submissions from 3 submitters: Uncertain significance (3). Last evaluated 2024-03-22.

Conditions:
Bardet-Biedl syndrome (BBS). Identifiers: Orphanet 110, MedGen C0752166, MONDO:0015229.
Bardet-Biedl syndrome 7 (BBS7). Identifiers: Orphanet 110, MedGen C1859565, MONDO:0014435, OMIM 615984.

Allele frequency attached by ClinVar (database versions not stated): TOPMed 0.00001; ExAC 0.00002; gnomAD 0.00002; gnomAD exomes 0.00002.
gnomAD v4.1: 16 of 1,613,722 alleles (0.00099%); highest among the groups gnomAD compares: Middle Eastern, 0.016%; no homozygotes.

Submissions (3):

Blueprint Genetics
Classification: Uncertain significance. Last evaluated: 2024-03-22. Review status: criteria provided, single submitter. Criteria: ACMG Guidelines, 2015. Collection method: clinical testing. Allele origin: germline.

Fulgent Genetics
Classification: Uncertain significance for Bardet-Biedl syndrome 7. Last evaluated: 2022-02-03. Review status: criteria provided, single submitter. Criteria: ACMG Guidelines, 2015. Collection method: clinical testing. Allele origin: unknown.

Labcorp Genetics (formerly Invitae), Labcorp
Classification: Uncertain significance for Bardet-Biedl syndrome. Last evaluated: 2021-08-26. Review status: criteria provided, single submitter. Criteria: Invitae Variant Classification Sherloc (09022015). Collection method: clinical testing. Allele origin: germline.
Comment: This sequence change replaces arginine with cysteine at codon 484 of the BBS7 protein (p.Arg484Cys). The arginine residue is moderately conserved and there is a large physicochemical difference between arginine and cysteine. This variant is present in population databases (rs747889031, ExAC 0.004%). This variant has not been reported in the literature in individuals affected with BBS7-related conditions. Algorithms developed to predict the effect of missense changes on protein structure and function output the following: SIFT: "Tolerated"; PolyPhen-2: "Benign"; Align-GVGD: "Class C15". The cysteine amino acid residue is found in multiple mammalian species, which suggests that this missense change does not adversely affect protein function. In summary, the available evidence is currently insufficient to determine the role of this variant in disease. Therefore, it has been classified as a Variant of Uncertain Significance.

NM_176824.3(BBS7):c.1450C>T (p.Arg484Cys)

Gene: BBS7 (Bardet-Biedl syndrome 7; minus strand). Cytogenetic location: 4q27.
Variant type: single nucleotide variant.
Coding change: c.1450C>T on transcript NM_176824.3 (MANE Select); coding-DNA position 1450, C replaced by T.
Protein change: p.Arg484Cys; replaces arginine 484 with cysteine.
Molecular consequence: missense variant.
Genome position (GRCh38, 1-based): chr4:121,835,205, G>A on the plus strand (C>T on the coding strand, the complement: BBS7 is on the minus strand). VCF-style: chr4-121835205-G-A. GRCh37 (hg19) VCF-style: chr4-122756360-G-A.
Other names: c.1450C>T, p.Arg484Cys (NM_018190.4); short protein forms R484C.
Identifiers: ClinVar variation 1403412 (VCV001403412.7), dbSNP rs747889031, ClinGen allele CA3064223.